The following is an entry in ClinVar:

ClinVar aggregate classification (germline): Benign. Review status: reviewed by expert panel (3 of 4 stars). 33 submissions from 33 submitters: Benign (1). 32 of the submissions do not count toward it. Last evaluated 2015-01-12.

Conditions:
Hereditary cancer-predisposing syndrome. Also called: Hereditary Cancer Syndrome; Tumor predisposition; Neoplastic Syndromes, Hereditary; Hereditary neoplastic syndrome. Identifiers: Orphanet 140162, MedGen C0027672, MeSH D009386, MONDO:0015356.
Breast and/or ovarian cancer. Identifiers: MedGen CN221562.
Hereditary breast ovarian cancer syndrome. Also called: Breast and ovarian cancer; BRCA1- and BRCA2-Associated Hereditary Breast and Ovarian Cancer; Hereditary breast and ovarian cancer; Hereditary breast and ovarian cancer syndrome (HBOC); Hereditary breast and ovarian cancer syndrome; Hereditary breast and/or ovarian cancer syndrome. Identifiers: Orphanet 145, MedGen C0677776, MeSH D061325, MONDO:0003582. Disease mechanism: loss of function.
Breast-ovarian cancer, familial, susceptibility to, 1 (BROVCA1). Also called: BRCA1 Hereditary Breast and Ovarian Cancer; OVARIAN CANCER, SUSCEPTIBILITY TO. Identifiers: Orphanet 145, MedGen C2676676, MONDO:0011450, OMIM 604370. Disease mechanism: loss of function.
Familial cancer of breast. Also called: BREAST CANCER, FAMILIAL; hereditary breast carcinoma; Hereditary breast cancer. Identifiers: Orphanet 227535, MedGen C0346153, MONDO:0016419, OMIM 114480. Disease mechanism: loss of function.

Allele frequency attached by ClinVar (database versions not stated): 1000 Genomes Project 30x 0.01109; 1000 Genomes Project 0.01258; gnomAD exomes 0.00189 and 0.00444; gnomAD 0.00233 and 0.00300; TOPMed 0.00320; ExAC 0.00414.
gnomAD v4.1: 3,222 of 1,613,626 alleles (0.2%); highest among the groups gnomAD compares: East Asian, 5.4%; 89 homozygotes.

Submissions 1 to 23 of 35:

Evidence-based Network for the Interpretation of Germline Mutant Alleles (ENIGMA)
Classification: Benign for Breast-ovarian cancer, familial 1. Last evaluated: 2015-01-12. Review status: reviewed by expert panel. Criteria: ENIGMA BRCA1/2 Classification Criteria (2015). Collection method: curation. Allele origin: germline.
Comment: Class 1 not pathogenic based on frequency >1% in an outbred sampleset. Frequency 0.05769 (Asian), derived from 1000 genomes (2012-04-30).

Labcorp Genetics (formerly Invitae), Labcorp
Classification: Benign for Hereditary breast ovarian cancer syndrome. Last evaluated: 2026-02-03. Review status: criteria provided, single submitter. Criteria: Invitae Variant Classification Sherloc (09022015). Collection method: clinical testing. Allele origin: germline. Not counted in ClinVar's aggregate classification.

ARUP Laboratories, Molecular Genetics and Genomics, ARUP Laboratories
Classification: Benign. Last evaluated: 2025-07-15. Review status: criteria provided, single submitter. Criteria: ARUP Molecular Germline Variant Investigation Process 2024. Collection method: clinical testing. Allele origin: germline. Not counted in ClinVar's aggregate classification.

Center for Genomic Medicine, Rigshospitalet, Copenhagen University Hospital
Classification: Benign. Last evaluated: 2025-03-04. Review status: criteria provided, single submitter. Criteria: ACMG Guidelines, 2015. Collection method: clinical testing. Allele origin: germline. Not counted in ClinVar's aggregate classification.

KCCC/NGS Laboratory, Kuwait Cancer Control Center
Classification: Benign for Breast-ovarian cancer, familial, susceptibility to, 1. Last evaluated: 2025-02-01. Review status: criteria provided, single submitter. Criteria: ACMG Guidelines, 2015. Collection method: clinical testing. Allele origin: germline. Affected: no. Not counted in ClinVar's aggregate classification.

CeGaT Center for Human Genetics Tuebingen
Classification: Benign. Last evaluated: 2023-12-01. Review status: criteria provided, single submitter. Criteria: CeGaT Center For Human Genetics Tuebingen Variant Classification Criteria Version 2. Collection method: clinical testing. Allele origin: germline. Affected: yes. Observed: 1 variant allele. Not counted in ClinVar's aggregate classification.
Comment: BRCA1: BP4, BP7, BS1, BS2

National Health Laboratory Service, Universitas Academic Hospital and University of the Free State
Classification: Benign for Hereditary breast ovarian cancer syndrome. Last evaluated: 2022-04-19. Review status: criteria provided, single submitter. Criteria: ACMG Guidelines, 2015. Collection method: clinical testing. Allele origin: germline. Affected: yes. Observed: 3 variant alleles. Not counted in ClinVar's aggregate classification.

CHEO Genetics Diagnostic Laboratory, Children's Hospital of Eastern Ontario
Classification: Benign for Breast and/or ovarian cancer. Last evaluated: 2021-11-09. Review status: criteria provided, single submitter. Criteria: ACMG Guidelines, 2015. Collection method: clinical testing. Allele origin: germline. Not counted in ClinVar's aggregate classification.

Institute for Clinical Genetics, University Hospital TU Dresden, University Hospital TU Dresden
Classification: Benign. Last evaluated: 2021-11-03. Review status: criteria provided, single submitter. Criteria: ACMG Guidelines, 2015. Collection method: clinical testing. Allele origin: germline. Not counted in ClinVar's aggregate classification.

Genetics Program, Instituto Nacional de Cancer
Classification: Benign for Hereditary breast ovarian cancer syndrome. Last evaluated: 2021-11-01. Review status: criteria provided, single submitter. Criteria: ACMG Guidelines, 2015. Collection method: research. Allele origin: germline. Affected: yes. Not counted in ClinVar's aggregate classification.

Sema4
Classification: Benign for Hereditary cancer-predisposing syndrome. Last evaluated: 2021-05-11. Review status: criteria provided, single submitter. Criteria: Sema4 Curation Guidelines. Collection method: curation. Allele origin: germline. Not counted in ClinVar's aggregate classification.

Quest Diagnostics Nichols Institute San Juan Capistrano
Classification: Benign. Last evaluated: 2020-06-15. Review status: criteria provided, single submitter. Criteria: Quest Diagnostics criteria. Collection method: clinical testing. Allele origin: unknown. Not counted in ClinVar's aggregate classification.

Illumina Laboratory Services, Illumina
Classification: Benign for Breast-ovarian cancer, familial, susceptibility to, 1. Last evaluated: 2018-03-06. Review status: criteria provided, single submitter. Criteria: ICSL Variant Classification Criteria 13 December 2019. Collection method: clinical testing. Allele origin: germline. Not counted in ClinVar's aggregate classification.
Comment: This variant was observed in the ICSL laboratory as part of a predisposition screen in an ostensibly healthy population. It had not been previously curated by ICSL or reported in the Human Gene Mutation Database (HGMD: prior to June 1st, 2018), and was therefore a candidate for classification through an automated scoring system. Utilizing variant allele frequency, disease prevalence and penetrance estimates, and inheritance mode, an automated score was calculated to assess if this variant is too frequent to cause the disease. Based on the score and internal cut-off values, a variant classified as benign is not then subjected to further curation. The score for this variant resulted in a classification of benign for this disease.

GeneKor MSA
Classification: Benign. Last evaluated: 2017-11-01. Review status: criteria provided, single submitter. Criteria: ACMG Guidelines, 2015. Collection method: clinical testing. Allele origin: germline. Affected: yes. Not counted in ClinVar's aggregate classification.

PreventionGenetics, part of Exact Sciences
Classification: Benign. Last evaluated: 2017-06-28. Review status: criteria provided, single submitter. Criteria: ACMG Guidelines, 2015. Collection method: clinical testing. Allele origin: germline. Not counted in ClinVar's aggregate classification.

Cancer Genetics and Genomics Laboratory, British Columbia Cancer Agency
Classification: Benign. Last evaluated: 2017-04-18. Review status: criteria provided, single submitter. Criteria: ACMG Guidelines, 2015. Collection method: clinical testing. Allele origin: germline. Study: The Canadian Open Genetics Repository (COGR). Not counted in ClinVar's aggregate classification.

Baylor Genetics
Classification: Benign for Familial cancer of breast. Last evaluated: 2017-02-23. Review status: criteria provided, single submitter. Criteria: ACMG Guidelines, 2015. Collection method: clinical testing. Allele origin: germline. Inheritance: Autosomal dominant inheritance. Affected: no. Not counted in ClinVar's aggregate classification.

Color Diagnostics, LLC DBA Color Health
Classification: Benign for Hereditary cancer-predisposing syndrome. Last evaluated: 2015-04-13. Review status: criteria provided, single submitter. Criteria: ACMG Guidelines, 2015. Collection method: clinical testing. Allele origin: germline. Not counted in ClinVar's aggregate classification.

Ambry Genetics
Classification: Benign for Hereditary cancer-predisposing syndrome. Last evaluated: 2014-11-18. Review status: criteria provided, single submitter. Criteria: Ambry Variant Classification Scheme 2023. Collection method: clinical testing. Allele origin: germline. Not counted in ClinVar's aggregate classification.

Women's Health and Genetics/Laboratory Corporation of America, LabCorp
Classification: Benign for Hereditary breast ovarian cancer syndrome. Last evaluated: 2014-02-19. Review status: criteria provided, single submitter. Criteria: LabCorp Variant Classification Summary - May 2015. Collection method: clinical testing. Allele origin: germline. Not counted in ClinVar's aggregate classification.

Breakthrough Genomics
Classification: Benign. Review status: criteria provided, single submitter. Criteria: ACMG Guidelines, 2015. Collection method: not provided. Allele origin: germline. Inheritance: Autosomal recessive inheritance. Affected: yes. Not counted in ClinVar's aggregate classification.

True Health Diagnostics
Classification: Likely benign for Hereditary cancer-predisposing syndrome. Last evaluated: 2017-09-13. Review status: no assertion criteria provided. Collection method: clinical testing. Allele origin: germline. Not counted in ClinVar's aggregate classification.

Mayo Clinic Laboratories, Mayo Clinic
Classification: Benign. Last evaluated: 2016-12-19. Review status: no assertion criteria provided. Collection method: clinical testing. Allele origin: unknown. Not counted in ClinVar's aggregate classification.

NM_007294.4(BRCA1):c.114G>A (p.Lys38=)

Gene: BRCA1 (BRCA1 DNA repair associated; minus strand). Cytogenetic location: 17q21.31.
Variant type: single nucleotide variant.
Coding change: c.114G>A on transcript NM_007294.4 (MANE Select); coding-DNA position 114, G replaced by A.
Protein change: p.Lys38=; no amino-acid change (lysine 38 retained).
Molecular consequence: synonymous variant. On other transcripts: 5 prime UTR variant (132), intron variant (41).
Genome position (GRCh38, 1-based): chr17:43,115,746, C>T on the plus strand (G>A on the coding strand, the complement: BRCA1 is on the minus strand). VCF-style: chr17-43115746-C-T. GRCh37 (hg19) VCF-style: chr17-41267763-C-T.
Other names: 233G/A; K38K; 233 G>A; NP_009225.1:p.Lys38=; 233G>A; c.-75G>A (NM_001407571.1, NM_001407953.1, NM_001407954.1 and 52 more transcripts); c.114G>A, p.Lys38= (NM_001407581.1, NM_001407582.1, NM_001407583.1 and 192 more transcripts); c.-144G>A (NM_001407694.1, NM_001407696.1, NM_001407724.1 and 13 more transcripts); and 15 more.
Identifiers: ClinVar variation 54146 (VCV000054146.119), dbSNP rs1800062, ClinGen allele CA000762.